The following is an entry in ClinVar:

NM_172107.4(KCNQ2):c.401T>C (p.Ile134Thr)

Gene: KCNQ2 (potassium voltage-gated channel subfamily Q member 2; minus strand). Cytogenetic location: 20q13.33.
Variant type: single nucleotide variant.
Coding change: c.401T>C on transcript NM_172107.4 (MANE Select); coding-DNA position 401, T replaced by C.
Protein change: p.Ile134Thr; replaces isoleucine 134 with threonine.
Molecular consequence: missense variant.
Genome position (GRCh38, 1-based): chr20:63,445,351, A>G on the plus strand (T>C on the coding strand, the complement: KCNQ2 is on the minus strand). VCF-style: chr20-63445351-A-G. GRCh37 (hg19) VCF-style: chr20-62076704-A-G.
Other names: c.401T>C, p.Ile134Thr (NM_001382235.1, NM_001439003.1, NM_001439004.1 and 4 more transcripts); short protein forms I134T.
Identifiers: ClinVar variation 4538851 (VCV004538851.1).

ClinVar aggregate classification (germline): Uncertain significance (1 of 4 stars; one submission).

Submission:

GeneDx
Classification: Uncertain significance. Last evaluated: 2025-06-16. Review status: criteria provided, single submitter. Criteria: GeneDx Variant Classification Process June 2021. Collection method: clinical testing. Allele origin: germline. Affected: yes.
Comment: Not observed at significant frequency in large population cohorts (gnomAD); In silico analysis supports that this missense variant has a deleterious effect on protein structure/function; This substitution is predicted to be within the transmembrane segment S2; Has not been previously published as pathogenic or benign to our knowledge